The following is an entry in ClinVar:

ClinVar aggregate classification (germline): Pathogenic. Review status: reviewed by expert panel (3 of 4 stars). 3 submissions from 3 submitters: Pathogenic (1). 2 of the submissions do not count toward it. Last evaluated 2019-04-03.

Conditions:
Phenylketonuria (PKU). Also called: OLIGOPHRENIA PHENYLPYRUVICA; Phenylketonurias; FOLLING DISEASE; Phenylketonuria (PKU). Identifiers: Orphanet 716, MedGen C0031485, MONDO:0009861, OMIM 261600. Disease mechanism: loss of function.

Submissions (3):

ClinGen PAH Variant Curation Expert Panel
Classification: Pathogenic for Phenylketonuria. Last evaluated: 2019-04-03. Review status: reviewed by expert panel. Criteria: ClinGen PAH ACMG Specifications v1. Collection method: curation. Allele origin: germline. Inheritance: Autosomal recessive inheritance.
Comment: The c.127G>T (p.Glu43*) variant is a nonsense variant in exon 2 of 13 in PAH, predicted to undergo nonsense mediated decay with the truncated region critical to protein function. It has been reported in 2 individuals with PKU (BH4 deficiency not excluded). (PP4; PMID: 26503515). This variant is absent from population databases (PM2). In summary, this variant meets criteria to be classified as pathogenic for PAH. PAH-specific ACMG/AMP criteria applied: PVS1, PM2, PP4.

Juno Genomics, Hangzhou Juno Genomics, Inc
Classification: Pathogenic for Phenylketonuria. Review status: criteria provided, single submitter. Criteria: ACMG Guidelines, 2015. Collection method: clinical testing. Allele origin: germline. Affected: yes. Not counted in ClinVar's aggregate classification.
Comment: Absent from controls (or at extremely low frequency if recessive) in Genome Aggregation Database, Exome Sequencing Project, 1000 Genomes Project, or Exome Aggregation Consortium.;Null variant in a gene where loss of function (LOF) is a known mechanism of disease.;For recessive disorders, detected in trans with a pathogenic variant.

Counsyl
Classification: Likely pathogenic for Phenylketonuria. Last evaluated: 2018-03-08. Review status: no assertion criteria provided. Collection method: clinical testing. Allele origin: unknown. Not counted in ClinVar's aggregate classification.

Literature cited by the submitters: PubMed 26503515 (cited by ClinGen PAH Variant Curation Expert Panel and Counsyl).

NM_000277.3(PAH):c.127G>T (p.Glu43Ter)

Gene: PAH (phenylalanine hydroxylase; minus strand). Cytogenetic location: 12q23.2.
Variant type: single nucleotide variant.
Coding change: c.127G>T on transcript NM_000277.3 (MANE Select); coding-DNA position 127, G replaced by T.
Protein change: p.Glu43Ter; replaces glutamic acid 43 with a stop codon.
Molecular consequence: nonsense.
Genome position (GRCh38, 1-based): chr12:102,912,832, C>A on the plus strand (G>T on the coding strand, the complement: PAH is on the minus strand). VCF-style: chr12-102912832-C-A. GRCh37 (hg19) VCF-style: chr12-103306610-C-A.
Other names: c.127G>T, p.Glu43Ter (NM_001354304.2); short protein forms E43*.
Identifiers: ClinVar variation 557124 (VCV000557124.5), dbSNP rs1555209575, ClinGen allele CA16020729.